The following is an entry in ClinVar:

NM_001376.5(DYNC1H1):c.4012A>G (p.Lys1338Glu)

Gene: DYNC1H1 (dynein cytoplasmic 1 heavy chain 1; plus strand). Cytogenetic location: 14q32.31.
Variant type: single nucleotide variant.
Coding change: c.4012A>G on transcript NM_001376.5 (MANE Select); coding-DNA position 4012, A replaced by G.
Protein change: p.Lys1338Glu; replaces lysine 1338 with glutamic acid.
Molecular consequence: missense variant.
Genome position (GRCh38, 1-based): chr14:102,000,337, A>G. VCF-style: chr14-102000337-A-G. GRCh37 (hg19) VCF-style: chr14-102466674-A-G.
Other names: short protein forms K1338E.
Identifiers: ClinVar variation 2904665 (VCV002904665.3), dbSNP rs2503727260, ClinGen allele CA391039235.
Genomic context (GRCh38, chr14:102,000,337, plus strand): 5'-CAATCGCAGGTGGCCTTAGAAGAATTACAGGACCTCAAAGGCGTTTGGTCAGAACTTTCT[A>G]AGGTTTGGGAGCAAATCGATCAGATGAAGGAGCAACCCTGGGTTTCAGTACAGCCTCGAA-3'
Protein context (NP_001367.2, residues 1328-1348): DLKGVWSELS[Lys1338Glu]VWEQIDQMKE

ClinVar aggregate classification (germline): Uncertain significance (1 of 4 stars; one submission).

Conditions:
Charcot-Marie-Tooth disease axonal type 2O. Also called: CHARCOT-MARIE-TOOTH NEUROPATHY, AXONAL, TYPE 2O; CHARCOT-MARIE-TOOTH DISEASE, AXONAL, AUTOSOMAL DOMINANT, TYPE 2O; Charcot-Marie-Tooth Neuropathy Type 2O; Charcot-Marie-Tooth disease, axonal, type 20. Identifiers: Orphanet 284232, MedGen C3280220, MONDO:0013644, OMIM 614228.

Allele frequency attached by ClinVar (database versions not stated): gnomAD exomes 0.00001.
gnomAD v4.1: 10 of 1,614,162 alleles (0.00062%); highest among the groups gnomAD compares: South Asian, 0.0011%; no homozygotes.

Submission:

Labcorp Genetics (formerly Invitae), Labcorp
Classification: Uncertain significance for Charcot-Marie-Tooth disease axonal type 2O. Last evaluated: 2024-05-15. Review status: criteria provided, single submitter. Criteria: Invitae Variant Classification Sherloc (09022015). Collection method: clinical testing. Allele origin: germline.
Comment: This sequence change replaces lysine, which is basic and polar, with glutamic acid, which is acidic and polar, at codon 1338 of the DYNC1H1 protein (p.Lys1338Glu). This variant is not present in population databases (gnomAD no frequency). This variant has not been reported in the literature in individuals affected with DYNC1H1-related conditions. Advanced modeling of protein sequence and biophysical properties (such as structural, functional, and spatial information, amino acid conservation, physicochemical variation, residue mobility, and thermodynamic stability) performed at Invitae indicates that this missense variant is not expected to disrupt DYNC1H1 protein function with a negative predictive value of 95%. In summary, the available evidence is currently insufficient to determine the role of this variant in disease. Therefore, it has been classified as a Variant of Uncertain Significance.